The following is an entry in ClinVar:

NM_130839.5(UBE3A):c.313T>C (p.Cys105Arg)

Genes: SNHG14 (small nucleolar RNA host gene 14; plus strand), UBE3A (ubiquitin protein ligase E3A; minus strand). Cytogenetic location: 15q11.2.
Variant type: single nucleotide variant.
Coding change: c.313T>C on transcript NM_130839.5 (MANE Select); coding-DNA position 313, T replaced by C.
Protein change: p.Cys105Arg; replaces cysteine 105 with arginine.
Molecular consequence: missense variant. On other transcripts: non-coding transcript variant (1).
Genome position (GRCh38, 1-based): chr15:25,375,513, A>G on the plus strand (T>C on the coding strand, the complement: UBE3A is on the minus strand). VCF-style: chr15-25375513-A-G. GRCh37 (hg19) VCF-style: chr15-25620660-A-G.
Other names: c.253T>C, p.Cys85Arg (NM_001354543.2, NM_001354544.2, NM_001354547.2 and 18 more transcripts); c.313T>C, p.Cys105Arg (NM_001354545.2, NM_001354550.2, NM_001354505.1 and 1 more transcripts); c.136T>C, p.Cys46Arg (NM_001354546.2); c.322T>C, p.Cys108Arg (NM_000462.5); short protein forms C105R, C85R, C108R, C46R.
Identifiers: ClinVar variation 3652592 (VCV003652592.2).

ClinVar aggregate classification (germline): Uncertain significance (1 of 4 stars; one submission).

Conditions:
Angelman syndrome (AS). Also called: HAPPY PUPPET SYNDROME. Identifiers: Orphanet 72, MedGen C0162635, MONDO:0007113, OMIM 105830. Disease mechanism: loss of function. Inheritance: AS is caused by disruption of maternally imprinted UBE3A located within the 15q11.2-q13 Angelman syndrome/Prader-Willi syndrome (AS/PWS) region., imprinting disorder.

gnomAD v4.1: 4 of 1,614,166 alleles (0.00025%); highest among the groups gnomAD compares: Non-Finnish European, 0.00034%; no homozygotes.

Submission:

Labcorp Genetics (formerly Invitae), Labcorp
Classification: Uncertain significance for Angelman syndrome. Last evaluated: 2024-08-15. Review status: criteria provided, single submitter. Criteria: Invitae Variant Classification Sherloc (09022015). Collection method: clinical testing. Allele origin: germline.
Comment: This sequence change replaces cysteine, which is neutral and slightly polar, with arginine, which is basic and polar, at codon 85 of the UBE3A protein (p.Cys85Arg). This variant is not present in population databases (gnomAD no frequency). This variant has not been reported in the literature in individuals affected with UBE3A-related conditions. An algorithm developed to predict the effect of missense changes on protein structure and function outputs the following: PolyPhen-2: "Benign". The arginine amino acid residue is found in multiple mammalian species, which suggests that this missense change does not adversely affect protein function. In summary, the available evidence is currently insufficient to determine the role of this variant in disease. Therefore, it has been classified as a Variant of Uncertain Significance.